The following is an entry in ClinVar:

NM_024120.5(NDUFAF5):c.130C>T (p.Leu44=)

Genes: NDUFAF5 (NADH:ubiquinone oxidoreductase complex assembly factor 5; plus strand), LOC130065433 (ATAC-STARR-seq lymphoblastoid active region 17552; plus strand). Cytogenetic location: 20p12.1.
Variant type: single nucleotide variant.
Coding change: c.130C>T on transcript NM_024120.5 (MANE Select); coding-DNA position 130, C replaced by T.
Protein change: p.Leu44=; no amino-acid change (leucine 44 retained).
Molecular consequence: synonymous variant. On other transcripts: 5 prime UTR variant (3), non-coding transcript variant (7).
Genome position (GRCh38, 1-based): chr20:13,785,198, C>T. VCF-style: chr20-13785198-C-T. GRCh37 (hg19) VCF-style: chr20-13765844-C-T.
Other names: c.130C>T, p.Leu44= (NM_001039375.3, NM_001352408.2); c.-238C>T (NM_001352403.2); c.-452C>T (NM_001352406.2); c.-566C>T (NM_001352407.2).
Identifiers: ClinVar variation 749590 (VCV000749590.13), dbSNP rs768309175, ClinGen allele CA9767595.

ClinVar aggregate classification (germline): Likely benign. Review status: criteria provided, multiple submitters, no conflicts (2 of 4 stars). 3 submissions from 3 submitters: Likely benign (2). 1 of the submissions does not count toward it. Last evaluated 2024-12-19.

Conditions:
Mitochondrial complex I deficiency. Also called: NADH:Q(1) OXIDOREDUCTASE DEFICIENCY. Identifiers: Orphanet 2609, MedGen C1838979, MeSH C537475, MONDO:0100133.
NDUFAF5-related disorder. Also called: NDUFAF5-related condition.

Allele frequency attached by ClinVar (database versions not stated): gnomAD exomes 0.00002; ExAC 0.00003; TOPMed 0.00003; gnomAD 0.00004.
gnomAD v4.1: 22 of 1,613,754 alleles (0.0014%); highest among the groups gnomAD compares: Non-Finnish European, 0.0019%; 1 homozygote.

Submissions (3):

PreventionGenetics, part of Exact Sciences
Classification: Likely benign for NDUFAF5-related condition. Last evaluated: 2024-12-19. Review status: criteria provided, single submitter. Criteria: ACMG Guidelines, 2015. Collection method: clinical testing. Allele origin: germline.
Comment: This variant is classified as likely benign based on ACMG/AMP sequence variant interpretation guidelines (Richards et al. 2015 PMID: 25741868, with internal and published modifications).

Labcorp Genetics (formerly Invitae), Labcorp
Classification: Likely benign. Last evaluated: 2023-12-25. Review status: criteria provided, single submitter. Criteria: Invitae Variant Classification Sherloc (09022015). Collection method: clinical testing. Allele origin: germline.

Natera, Inc.
Classification: Likely benign for Mitochondrial complex I deficiency. Last evaluated: 2021-02-02. Review status: no assertion criteria provided. Collection method: clinical testing. Allele origin: germline. Not counted in ClinVar's aggregate classification.